The following is an entry in ClinVar:

NM_002292.4(LAMB2):c.3800G>A (p.Arg1267His)

Gene: LAMB2 (laminin subunit beta 2; minus strand). Cytogenetic location: 3p21.31.
Variant type: single nucleotide variant.
Coding change: c.3800G>A on transcript NM_002292.4 (MANE Select); coding-DNA position 3800, G replaced by A.
Protein change: p.Arg1267His; replaces arginine 1267 with histidine.
Molecular consequence: missense variant.
Genome position (GRCh38, 1-based): chr3:49,123,629, C>T on the plus strand (G>A on the coding strand, the complement: LAMB2 is on the minus strand). VCF-style: chr3-49123629-C-T. GRCh37 (hg19) VCF-style: chr3-49161062-C-T.
Other names: c.3800G>A (NM_002292.3); short protein forms R1267H.
Identifiers: ClinVar variation 1929364 (VCV001929364.6), dbSNP rs141988617, ClinGen allele CA2393937.

ClinVar aggregate classification (germline): Uncertain significance. Review status: criteria provided, multiple submitters, no conflicts (2 of 4 stars). 3 submissions from 3 submitters: Uncertain significance (3). Last evaluated 2025-05-14.

Conditions:
Inborn genetic diseases. Identifiers: MedGen C0950123, MeSH D030342.
Pierson syndrome. Also called: MICROCORIA-CONGENITAL NEPHROTIC SYNDROME. Identifiers: Orphanet 2670, MedGen C1836876, MONDO:0012184, OMIM 609049.
LAMB2-related infantile-onset nephrotic syndrome. Also called: NEPHROTIC SYNDROME, TYPE 5, WITHOUT OCULAR ABNORMALITIES; NEPHROTIC SYNDROME, TYPE 5, WITH OCULAR ABNORMALITIES; Nephrotic Syndrome, type 5. Identifiers: Orphanet 306507, MedGen C3280113, MONDO:0013621, OMIM 614199.

Allele frequency attached by ClinVar (database versions not stated): ExAC 0.00002; gnomAD 0.00005; gnomAD exomes 0.00008; TOPMed 0.00008; ESP Exome Variant Server 0.00015.
gnomAD v4.1: 129 of 1,613,998 alleles (0.008%); highest among the groups gnomAD compares: African/African-American, 0.011%; no homozygotes.

Submissions (3):

Ambry Genetics
Classification: Uncertain significance for Inborn genetic diseases. Last evaluated: 2025-05-14. Review status: criteria provided, single submitter. Criteria: Ambry Variant Classification Scheme 2023. Collection method: clinical testing. Allele origin: germline.

Labcorp Genetics (formerly Invitae), Labcorp
Classification: Uncertain significance for LAMB2-related infantile-onset nephrotic syndrome; Pierson syndrome. Last evaluated: 2024-10-21. Review status: criteria provided, single submitter. Criteria: Invitae Variant Classification Sherloc (09022015). Collection method: clinical testing. Allele origin: germline.
Comment: This sequence change replaces arginine, which is basic and polar, with histidine, which is basic and polar, at codon 1267 of the LAMB2 protein (p.Arg1267His). This variant is present in population databases (rs141988617, gnomAD 0.004%). This variant has not been reported in the literature in individuals affected with LAMB2-related conditions. ClinVar contains an entry for this variant (Variation ID: 1929364). An algorithm developed to predict the effect of missense changes on protein structure and function outputs the following: PolyPhen-2: "Benign". The histidine amino acid residue is found in multiple mammalian species, which suggests that this missense change does not adversely affect protein function. In summary, the available evidence is currently insufficient to determine the role of this variant in disease. Therefore, it has been classified as a Variant of Uncertain Significance.

Fulgent Genetics
Classification: Uncertain significance for Pierson syndrome; LAMB2-related infantile-onset nephrotic syndrome. Last evaluated: 2024-02-05. Review status: criteria provided, single submitter. Criteria: ACMG Guidelines, 2015. Collection method: clinical testing. Allele origin: germline.